The following is an entry in ClinVar:

ClinVar aggregate classification (germline): Uncertain significance (1 of 4 stars; one submission).

Allele frequency attached by ClinVar (database versions not stated): gnomAD exomes below 0.00001; TOPMed below 0.00001.
gnomAD v4.1: 1 of 1,613,934 alleles (0.000062%); highest among the groups gnomAD compares: Admixed American, 0.0017%; no homozygotes.

Submission:

GeneDx
Classification: Uncertain significance. Last evaluated: 2023-03-10. Review status: criteria provided, single submitter. Criteria: GeneDx Variant Classification Process June 2021. Collection method: clinical testing. Allele origin: germline. Affected: yes.
Comment: Not observed at significant frequency in large population cohorts (gnomAD); In silico analysis supports that this missense variant does not alter protein structure/function; Has not been previously published as pathogenic or benign to our knowledge

NM_004667.6(HERC2):c.3205G>A (p.Glu1069Lys)

Gene: HERC2 (HECT and RLD domain containing E3 ubiquitin protein ligase 2; minus strand). Cytogenetic location: 15q13.1.
Variant type: single nucleotide variant.
Coding change: c.3205G>A on transcript NM_004667.6 (MANE Select); coding-DNA position 3205, G replaced by A.
Protein change: p.Glu1069Lys; replaces glutamic acid 1069 with lysine.
Molecular consequence: missense variant.
Genome position (GRCh38, 1-based): chr15:28,248,582, C>T on the plus strand (G>A on the coding strand, the complement: HERC2 is on the minus strand). VCF-style: chr15-28248582-C-T. GRCh37 (hg19) VCF-style: chr15-28493728-C-T.
Other names: short protein forms E1069K.
Identifiers: ClinVar variation 2580001 (VCV002580001.1), dbSNP rs1903950822, ClinGen allele CA391391116.